The following is an entry in ClinVar:

ClinVar aggregate classification (germline): Uncertain significance (1 of 4 stars; one submission).

Conditions:
Autosomal recessive limb-girdle muscular dystrophy type 2J (LGMDR10). Also called: MUSCULAR DYSTROPHY, LIMB-GIRDLE, AUTOSOMAL RECESSIVE 10; Limb-girdle muscular dystrophy, type 2J. Identifiers: Orphanet 140922, MedGen C1837342, MONDO:0012127, OMIM 608807.
Dilated cardiomyopathy 1G (CMD1G). Identifiers: Orphanet 154, MedGen C1858763, MONDO:0011400, OMIM 604145.

Submission:

Labcorp Genetics (formerly Invitae), Labcorp
Classification: Uncertain significance for Dilated cardiomyopathy 1G; Autosomal recessive limb-girdle muscular dystrophy type 2J. Last evaluated: 2024-08-12. Review status: criteria provided, single submitter. Criteria: Invitae Variant Classification Sherloc (09022015). Collection method: clinical testing. Allele origin: germline.
Comment: This sequence change replaces leucine, which is neutral and non-polar, with proline, which is neutral and non-polar, at codon 35968 of the TTN protein (p.Leu35968Pro). This variant is not present in population databases (gnomAD no frequency). This variant has not been reported in the literature in individuals affected with TTN-related conditions. ClinVar contains an entry for this variant (Variation ID: 850701). Experimental studies and prediction algorithms are not available or were not evaluated, and the functional significance of this variant is currently unknown. This variant is located in the M band of TTN (PMID: 25589632). Non-truncating variants in this region may be relevant for neuromuscular disorders, but have not been definitively shown to cause cardiomyopathy (PMID: 23975875). In summary, the available evidence is currently insufficient to determine the role of this variant in disease. Therefore, it has been classified as a Variant of Uncertain Significance.

Literature cited by the submitters: PubMed 25589632; PubMed 23975875.

NM_001267550.2(TTN):c.107903T>C (p.Leu35968Pro)

Genes: TTN-AS1 (TTN antisense RNA 1; plus strand), TTN (titin; minus strand). Cytogenetic location: 2q31.2.
Variant type: single nucleotide variant.
Coding change: c.107903T>C on transcript NM_001267550.2 (MANE Select); coding-DNA position 107903, T replaced by C.
Protein change: p.Leu35968Pro; replaces leucine 35968 with proline.
Molecular consequence: missense variant.
Genome position (GRCh38, 1-based): chr2:178,527,085, A>G on the plus strand (T>C on the coding strand, the complement: TTN is on the minus strand). VCF-style: chr2-178527085-A-G. GRCh37 (hg19) VCF-style: chr2-179391812-A-G.
Other names: c.102980T>C, p.Leu34327Pro (NM_001256850.1); c.80708T>C, p.Leu26903Pro (NM_003319.4); c.100199T>C, p.Leu33400Pro (NM_133378.4); c.81083T>C, p.Leu27028Pro (NM_133432.3); c.81284T>C, p.Leu27095Pro (NM_133437.4); short protein forms L33400P, L34327P, L26903P, L27095P, L35968P, L27028P.
Identifiers: ClinVar variation 850701 (VCV000850701.10), dbSNP rs1686710377, ClinGen allele CA349398405.
Genomic context (GRCh38, chr2:178,527,085, plus strand): 5'-ATATGTATATTCACAGTGGCAGAGTCAGATCCAAATTCATTCCCTAAACTCAGGGTATAA[A>G]GTCCACCATCTTGTTTCTGTACGTCCATGATGATCAGGGTTGTCAGGTCATCTGTGTTTT-3'
Protein context (NP_001254479.2, residues 35958-35978): IMDVQKQDGG[Leu35968Pro]YTLSLGNEFG